The following is an entry in ClinVar:

ClinVar aggregate classification (germline): Uncertain significance. Review status: criteria provided, multiple submitters, no conflicts (2 of 4 stars). 2 submissions from 2 submitters: Uncertain significance (2). Last evaluated 2026-05-20.

Allele frequency attached by ClinVar (database versions not stated): TOPMed 0.00037; ESP Exome Variant Server 0.00046; gnomAD exomes 0.00004; ExAC 0.00007; gnomAD 0.00026.
gnomAD v4.1: 101 of 1,613,642 alleles (0.0063%); highest among the groups gnomAD compares: African/African-American, 0.085%; no homozygotes.

Submissions (2):

GeneDx
Classification: Uncertain significance. Last evaluated: 2026-05-20. Review status: criteria provided, single submitter. Criteria: GeneDx Variant Classification Process June 2021. Collection method: clinical testing. Allele origin: germline.
Comment: In silico analysis suggests that this missense variant does not alter protein structure/function; Has not been previously published as pathogenic or benign to our knowledge

Labcorp Genetics (formerly Invitae), Labcorp
Classification: Uncertain significance. Last evaluated: 2024-04-05. Review status: criteria provided, single submitter. Criteria: Invitae Variant Classification Sherloc (09022015). Collection method: clinical testing. Allele origin: germline.
Comment: This sequence change replaces alanine, which is neutral and non-polar, with valine, which is neutral and non-polar, at codon 734 of the FAN1 protein (p.Ala734Val). This variant is present in population databases (rs151030057, gnomAD 0.06%). This variant has not been reported in the literature in individuals affected with FAN1-related conditions. ClinVar contains an entry for this variant (Variation ID: 2174751). An algorithm developed to predict the effect of missense changes on protein structure and function (PolyPhen-2) suggests that this variant is likely to be disruptive. In summary, the available evidence is currently insufficient to determine the role of this variant in disease. Therefore, it has been classified as a Variant of Uncertain Significance.

NM_014967.5(FAN1):c.2201C>T (p.Ala734Val)

Genes: FAN1 (FANCD2 and FANCI associated nuclease 1; plus strand), MTMR10 (myotubularin related protein 10; minus strand). Cytogenetic location: 15q13.3.
Variant type: single nucleotide variant.
Coding change: c.2201C>T on transcript NM_014967.5 (MANE Select); coding-DNA position 2201, C replaced by T.
Protein change: p.Ala734Val; replaces alanine 734 with valine.
Molecular consequence: missense variant.
Genome position (GRCh38, 1-based): chr15:30,925,155, C>T. VCF-style: chr15-30925155-C-T. GRCh37 (hg19) VCF-style: chr15-31217358-C-T.
Other names: c.2201C>T (NM_014967.4); short protein forms A734V.
Identifiers: ClinVar variation 2174751 (VCV002174751.4), dbSNP rs151030057, ClinGen allele CA7450531.
Genomic context (GRCh38, chr15:30,925,155, plus strand): 5'-GGAGCCTGATGTGTGACCATGCTCTCTGCCAGACTATCAAGTGCATCACAGAGGGGCTGG[C>T]GGATCCGGAAGTCAGAACGGGACACCGCCTTTCACTGTATCAGCGAGCCGTGCGCCTGCG-3'
Protein context (NP_055782.3, residues 724-744): PTIKCITEGL[Ala734Val]DPEVRTGHRL